The following is an entry in ClinVar:

NM_001377.3(DYNC2H1):c.6558C>T (p.Asp2186=)

Gene: DYNC2H1 (dynein cytoplasmic 2 heavy chain 1; plus strand). Cytogenetic location: 11q22.3.
Variant type: single nucleotide variant.
Coding change: c.6558C>T on transcript NM_001377.3 (MANE Select); coding-DNA position 6558, C replaced by T.
Protein change: p.Asp2186=; no amino-acid change (aspartic acid 2186 retained).
Molecular consequence: synonymous variant.
Genome position (GRCh38, 1-based): chr11:103,184,976, C>T. VCF-style: chr11-103184976-C-T. GRCh37 (hg19) VCF-style: chr11-103055705-C-T.
Other names: c.6558C>T, p.Asp2186= (NM_001080463.2).
Identifiers: ClinVar variation 302055 (VCV000302055.39), dbSNP rs199675558, ClinGen allele CA6254002.
Genomic context (GRCh38, chr11:103,184,976, plus strand): 5'-AAGTTTGGTTGGGACTGTGATGAATGGTTTGTCACATCTACATGGTTGCAGAGATCATGA[C>T]GAATTCATTATTAATCTCATAAGGGGACTTGGTGGAAATCTGAATATGAAGTCACGTTTG-3'
Protein context (NP_001368.2, residues 2176-2196): LSHLHGCRDH[Asp2186=]EFIINLIRGL

ClinVar aggregate classification (germline): Conflicting classifications of pathogenicity. Review status: criteria provided, conflicting classifications (1 of 4 stars). 6 submissions from 6 submitters: Uncertain significance (1); Likely benign (3). 2 of the submissions do not count toward it. Last evaluated 2026-01-28.

Conditions:
DYNC2H1-related disorder. Also called: DYNC2H1-related disorders; DYNC2H1-related condition. Identifiers: MedGen CN378770.
Retinal dystrophy. Also called: Inherited retinal dystrophy. Identifiers: Orphanet 71862, MedGen C0854723, MeSH D058499, MONDO:0019118, HP:0000556.
Asphyxiating thoracic dystrophy 3. Also called: SHORT-RIB THORACIC DYSPLASIA 3 WITH OR WITHOUT POLYDACTYLY; POLYDACTYLY WITH NEONATAL CHONDRODYSTROPHY, TYPE I; SHORT-RIB THORACIC DYSPLASIA 3/6 WITH POLYDACTYLY, DIGENIC; Short rib polydactyly syndrome 2B; Saldino-Noonan Syndrome. Identifiers: Orphanet 474, Orphanet 93269, Orphanet 93270, Orphanet 93271, MedGen C0036069, MONDO:0013127, OMIM 613091.
Jeune thoracic dystrophy. Also called: Short-rib thoracic dysplasia; Infantile thoracic dystrophy; Thoracic pelvic phalangeal dystrophy; Jeune's syndrome; Chondroectodermal dysplasia-like syndrome; Jeune syndrome. Identifiers: Orphanet 474, MedGen C0265275, MONDO:0018770.

Allele frequency attached by ClinVar (database versions not stated): gnomAD 0.00013; TOPMed 0.00023; ESP Exome Variant Server 0.00025; 1000 Genomes Project 30x 0.00031; 1000 Genomes Project 0.00040.
gnomAD v4.1: 499 of 1,610,864 alleles (0.031%); highest among the groups gnomAD compares: Middle Eastern, 0.4%; no homozygotes.

Submissions (6):

Labcorp Genetics (formerly Invitae), Labcorp
Classification: Likely benign for Jeune thoracic dystrophy. Last evaluated: 2026-01-28. Review status: criteria provided, single submitter. Criteria: Invitae Variant Classification Sherloc (09022015). Collection method: clinical testing. Allele origin: germline.

CeGaT Center for Human Genetics Tuebingen
Classification: Likely benign. Last evaluated: 2025-12-01. Review status: criteria provided, single submitter. Criteria: CeGaT Center For Human Genetics Tuebingen Variant Classification Criteria Version 2. Collection method: clinical testing. Allele origin: germline. Affected: yes. Observed: 2 variant alleles.
Comment: DYNC2H1: BP4, BP7

Blueprint Genetics
Classification: Likely benign. Last evaluated: 2024-11-07. Review status: criteria provided, single submitter. Criteria: ACMG Guidelines, 2015. Collection method: clinical testing. Allele origin: germline.

Illumina Laboratory Services, Illumina
Classification: Uncertain significance for Asphyxiating thoracic dystrophy 3. Last evaluated: 2018-01-13. Review status: criteria provided, single submitter. Criteria: ICSL Variant Classification Criteria 13 December 2019. Collection method: clinical testing. Allele origin: germline.

PreventionGenetics, part of Exact Sciences
Classification: Likely benign for DYNC2H1-related condition. Last evaluated: 2024-03-11. Review status: no assertion criteria provided. Collection method: clinical testing. Allele origin: germline. Not counted in ClinVar's aggregate classification.
Comment: This variant is classified as likely benign based on ACMG/AMP sequence variant interpretation guidelines (Richards et al. 2015 PMID: 25741868, with internal and published modifications).

Institute of Human Genetics, Univ. Regensburg, Univ. Regensburg
Classification: Uncertain significance for Retinal dystrophy. Last evaluated: 2023-01-01. Review status: no assertion criteria provided. Criteria: ACMG Guidelines, 2015. Collection method: clinical testing. Allele origin: germline. Affected: yes. Not counted in ClinVar's aggregate classification.